The following is an entry in ClinVar:

NM_007194.4(CHEK2):c.847-12_847-2del

Gene: CHEK2 (checkpoint kinase 2; minus strand). Cytogenetic location: 22q12.1.
Variant type: Deletion.
Coding change: c.847-12_847-2del on transcript NM_007194.4 (MANE Select); 12 bases into the intron before coding-DNA position 847 through the canonical splice acceptor site of the intron before coding-DNA position 847, 11 bases deleted (CCCTCTTCTTA).
Molecular consequence: splice acceptor variant.
Genome position (GRCh38, 1-based): chr22:28,703,568-28,703,578, TAAGAAGAGGG deleted on the plus strand (CCCTCTTCTTA on the coding strand, the reverse complement: CHEK2 is on the minus strand). VCF-style (leftmost placement, unchanged base first): chr22-28703567-CTAAGAAGAGGG-C. GRCh37 (hg19) VCF-style: chr22-29099555-CTAAGAAGAGGG-C.
Other names: c.184-12_184-2del (NM_001437942.1, NM_001257387.3); c.646-12_646-2del (NM_001349956.3); c.847-12_847-2del (NM_145862.3); c.940-12_940-2del (NM_001438295.1, NM_001438293.1); c.976-12_976-2del (NM_001438294.1, NM_001005735.3).
Identifiers: ClinVar variation 1066347 (VCV001066347.20), dbSNP rs1410392419, ClinGen allele CA752173573.
Genomic context (GRCh38, chr22:28,703,567, plus strand): 5'-TTCCAAAACAATATAATAATCTTCTGCATCAAAAAAGTTTTTAATCTTGATGATGCAAGG[CTAAGAAGAGGG>C]GGAGAAAAAAGGGAAAGTAGTGAGAAACTCCCAAGAGGAAAACCACAAGAGCTTAGAACA-3'

ClinVar aggregate classification (germline): Likely pathogenic. Review status: criteria provided, single submitter (1 of 4 stars). 2 submissions from 2 submitters: Likely pathogenic (1). 1 of the submissions does not count toward it. Last evaluated 2025-08-21.

Conditions:
Gastric cancer. Also called: Malignant tumor of stomach; Stomach cancer. Identifiers: MedGen C0024623, MeSH D013274, MONDO:0001056, OMIM 613659, HP:0012126.
Familial cancer of breast. Also called: hereditary breast carcinoma; BREAST CANCER, FAMILIAL; Hereditary breast cancer. Identifiers: Orphanet 227535, MedGen C0346153, MONDO:0016419, OMIM 114480. Disease mechanism: loss of function.

Allele frequency attached by ClinVar (database versions not stated): TOPMed 0.00001.

Submissions (2):

Labcorp Genetics (formerly Invitae), Labcorp
Classification: Likely pathogenic for Familial cancer of breast. Last evaluated: 2025-08-21. Review status: criteria provided, single submitter. Criteria: Invitae Variant Classification Sherloc (09022015). Collection method: clinical testing. Allele origin: germline.
Comment: This sequence change affects a splice site in intron 7 of the CHEK2 gene. RNA analysis indicates that disruption of this splice site induces altered splicing and may result in an absent or altered protein product. This variant is not present in population databases (gnomAD no frequency). This variant has not been reported in the literature in individuals affected with CHEK2-related conditions. ClinVar contains an entry for this variant (Variation ID: 1066347). Studies have shown that disruption of this splice site results in skipping of exon 8, and produces a non-functional protein and/or introduces a premature termination codon (internal data). In summary, the currently available evidence indicates that the variant is pathogenic, but additional data are needed to prove that conclusively. Therefore, this variant has been classified as Likely Pathogenic.

Laboratory for Genotyping Development, RIKEN
Classification: Pathogenic for Gastric cancer. Last evaluated: 2021-07-01. Review status: no assertion criteria provided. Collection method: research. Allele origin: germline. Not counted in ClinVar's aggregate classification.

Literature cited by the submitters: PubMed 36988593 (cited by Laboratory for Genotyping Development, RIKEN).